The following is an entry in ClinVar:

NM_000059.4(BRCA2):c.7977A>C (p.Arg2659Ser)

Gene: BRCA2 (BRCA2 DNA repair associated; plus strand). Cytogenetic location: 13q13.1.
Variant type: single nucleotide variant.
Coding change: c.7977A>C on transcript NM_000059.4 (MANE Select); coding-DNA position 7977, A replaced by C.
Protein change: p.Arg2659Ser; replaces arginine 2659 with serine.
Molecular consequence: missense variant.
Genome position (GRCh38, 1-based): chr13:32,363,179, A>C. VCF-style: chr13-32363179-A-C. GRCh37 (hg19) VCF-style: chr13-32937316-A-C.
Other names: short protein forms R2659S.
Identifiers: ClinVar variation 643221 (VCV000643221.9), dbSNP rs766885114, ClinGen allele CA387748451.
Genomic context (GRCh38, chr13:32,363,179, plus strand): 5'-TAAACAGTGGAATTCTAGAGTCACACTTCCTAAAATATGCATTTTTGTTTTCACTTTTAG[A>C]TATGATACGGAAATTGATAGAAGCAGAAGATCGGCTATAAAAAAGATAATGGAAAGGGAT-3'
Protein context (NP_000050.3, residues 2649-2669): PERVLLQLKY[Arg2659Ser]YDTEIDRSRR

ClinVar aggregate classification (germline): Uncertain significance (1 of 4 stars; one submission).

Conditions:
Hereditary breast ovarian cancer syndrome. Also called: Hereditary breast and ovarian cancer; Hereditary breast and ovarian cancer syndrome; Hereditary breast and ovarian cancer syndrome (HBOC); Hereditary breast and/or ovarian cancer syndrome; Breast and ovarian cancer; BRCA1- and BRCA2-Associated Hereditary Breast and Ovarian Cancer. Identifiers: Orphanet 145, MedGen C0677776, MeSH D061325, MONDO:0003582. Disease mechanism: loss of function.

Submission:

Labcorp Genetics (formerly Invitae), Labcorp
Classification: Uncertain significance for Hereditary breast ovarian cancer syndrome. Last evaluated: 2023-04-07. Review status: criteria provided, single submitter. Criteria: Invitae Variant Classification Sherloc (09022015). Collection method: clinical testing. Allele origin: germline.
Comment: This missense change has been observed in individual(s) with BRCA2-related conditions (PMID: 30982232). ClinVar contains an entry for this variant (Variation ID: 643221). An algorithm developed to predict the effect of missense changes on protein structure and function (PolyPhen-2) suggests that this variant is likely to be disruptive. In summary, the available evidence is currently insufficient to determine the role of this variant in disease. Therefore, it has been classified as a Variant of Uncertain Significance. This variant is not present in population databases (gnomAD no frequency). This sequence change replaces arginine, which is basic and polar, with serine, which is neutral and polar, at codon 2659 of the BRCA2 protein (p.Arg2659Ser).

Literature cited by the submitters: PubMed 30982232.